The following is an entry in ClinVar:

NM_001372044.2(SHANK3):c.4978G>T (p.Glu1660Ter)

Gene: SHANK3 (SH3 and multiple ankyrin repeat domains 3; plus strand). Cytogenetic location: 22q13.33.
Variant type: single nucleotide variant.
Coding change: c.4978G>T on transcript NM_001372044.2 (MANE Select); coding-DNA position 4978, G replaced by T.
Protein change: p.Glu1660Ter; replaces glutamic acid 1660 with a stop codon.
Molecular consequence: nonsense.
Genome position (GRCh38, 1-based): chr22:50,730,869, G>T. VCF-style: chr22-50730869-G-T. GRCh37 (hg19) VCF-style: chr22-51169297-G-T.
Other names: short protein forms E1660*.
Identifiers: ClinVar variation 800506 (VCV000800506.1), dbSNP rs1603447380, ClinGen allele CA515266705.

ClinVar aggregate classification (germline): Pathogenic (1 of 4 stars; one submission).

Conditions:
Phelan-McDermid syndrome. Also called: TELOMERIC 22q13 MONOSOMY SYNDROME; 22q13.3 deletion syndrome; Phelan-McDermid Syndrome-SHANK3 Related. Identifiers: Orphanet 48652, MedGen C1853490, MONDO:0011652, OMIM 606232.

Submission:

Broad Center for Mendelian Genomics, Broad Institute of MIT and Harvard
Classification: Pathogenic for Phelan-McDermid syndrome. Last evaluated: 2018-11-15. Review status: criteria provided, single submitter. Criteria: ACMG Guidelines, 2015. Collection method: research. Allele origin: de novo. Inheritance: Autosomal dominant inheritance. Affected: yes.
Comment: Trio exome analysis showed this variant to be de novo. This variant was absent from large population studies. Loss of function of the SHANK3 gene is an established disease mechanism in autosomal dominant Phelan-Mcdermid Syndrome, and this is a loss of function variant. In summary, the p.Gly391Arg variant is pathogenic.